The following is an entry in ClinVar:

NM_002691.4(POLD1):c.1092G>C (p.Leu364=)

Gene: POLD1 (DNA polymerase delta 1, catalytic subunit; plus strand). Cytogenetic location: 19q13.33.
Variant type: single nucleotide variant.
Coding change: c.1092G>C on transcript NM_002691.4 (MANE Select); coding-DNA position 1092, G replaced by C.
Protein change: p.Leu364=; no amino-acid change (leucine 364 retained).
Molecular consequence: synonymous variant. On other transcripts: non-coding transcript variant (1).
Genome position (GRCh38, 1-based): chr19:50,403,174, G>C. VCF-style: chr19-50403174-G-C. GRCh37 (hg19) VCF-style: chr19-50906431-G-C.
Other names: c.1092G>C, p.Leu364= (NM_001256849.1, NM_001308632.1).
Identifiers: ClinVar variation 239221 (VCV000239221.23), dbSNP rs139883454, ClinGen allele CA9596021.

ClinVar aggregate classification (germline): Benign/Likely benign. Review status: criteria provided, multiple submitters, no conflicts (2 of 4 stars). 8 submissions from 8 submitters: Benign (4); Likely benign (4). Last evaluated 2026-01-26.

Conditions:
POLD1-related polyposis and colorectal cancer syndrome (CRCS10). Also called: COLORECTAL CANCER, SUSCEPTIBILITY TO, ON CHROMOSOME 19q; Colorectal cancer 10; Colorectal cancer, susceptibility to, 10. Identifiers: Orphanet 220460, MedGen C2675481, MONDO:0012953, OMIM 612591.
Hereditary cancer-predisposing syndrome. Also called: Hereditary Cancer Syndrome; Neoplastic Syndromes, Hereditary; Hereditary neoplastic syndrome; Tumor predisposition. Identifiers: Orphanet 140162, MedGen C0027672, MeSH D009386, MONDO:0015356.

Allele frequency attached by ClinVar (database versions not stated): gnomAD exomes 0.00003 and 0.00011; ExAC 0.00013; gnomAD 0.00032 and 0.00034; TOPMed 0.00038; ESP Exome Variant Server 0.00046.
gnomAD v4.1: 89 of 1,562,336 alleles (0.0057%); highest among the groups gnomAD compares: African/African-American, 0.099%; no homozygotes.

Submissions (8):

Labcorp Genetics (formerly Invitae), Labcorp
Classification: Benign for POLD1-related polyposis and colorectal cancer syndrome. Last evaluated: 2026-01-26. Review status: criteria provided, single submitter. Criteria: Invitae Variant Classification Sherloc (09022015). Collection method: clinical testing. Allele origin: germline.

Women's Health and Genetics/Laboratory Corporation of America, LabCorp
Classification: Likely benign. Last evaluated: 2026-01-23. Review status: criteria provided, single submitter. Criteria: LabCorp Variant Classification Summary - May 2015. Collection method: clinical testing. Allele origin: germline.

Myriad Genetics, Inc.
Classification: Benign for POLD1-related polyposis and colorectal cancer syndrome. Last evaluated: 2025-02-05. Review status: criteria provided, single submitter. Criteria: Myriad Autosomal Dominant, Autosomal Recessive and X-Linked Classification Criteria (2023). Collection method: clinical testing. Allele origin: unknown.
Comment: This variant is considered benign. This variant is a silent/synonymous amino acid change and it is not expected to impact splicing.

Quest Diagnostics Nichols Institute San Juan Capistrano
Classification: Benign. Last evaluated: 2022-10-07. Review status: criteria provided, single submitter. Criteria: Quest Diagnostics criteria. Collection method: clinical testing. Allele origin: unknown.

Sema4
Classification: Benign for Hereditary cancer-predisposing syndrome. Last evaluated: 2021-01-11. Review status: criteria provided, single submitter. Criteria: Sema4 Curation Guidelines. Collection method: curation. Allele origin: germline.

GeneDx
Classification: Likely benign. Last evaluated: 2020-11-18. Review status: criteria provided, single submitter. Criteria: GeneDx Variant Classification Process June 2021. Collection method: clinical testing. Allele origin: germline. Affected: yes.

Mendelics
Classification: Likely benign for POLD1-related polyposis and colorectal cancer syndrome. Last evaluated: 2019-05-28. Review status: criteria provided, single submitter. Criteria: Mendelics Assertion Criteria 2017. Collection method: clinical testing. Allele origin: unknown.

Ambry Genetics
Classification: Likely benign for Hereditary cancer-predisposing syndrome. Last evaluated: 2015-10-16. Review status: criteria provided, single submitter. Criteria: Ambry Variant Classification Scheme 2023. Collection method: clinical testing. Allele origin: germline.